The following is an entry in ClinVar:

ClinVar aggregate classification (germline): Likely benign (1 of 4 stars; one submission).

Submission:

CeGaT Center for Human Genetics Tuebingen
Classification: Likely benign. Last evaluated: 2023-01-01. Review status: criteria provided, single submitter. Criteria: CeGaT Center For Human Genetics Tuebingen Variant Classification Criteria Version 2. Collection method: clinical testing. Allele origin: germline. Affected: yes. Observed: 1 variant allele.
Comment: PSG4: BP4, BP7

NM_002780.5(PSG4):c.903G>A (p.Thr301=)

Gene: PSG4 (pregnancy specific beta-1-glycoprotein 4; minus strand). Cytogenetic location: 19q13.31.
Variant type: single nucleotide variant.
Coding change: c.903G>A on transcript NM_002780.5 (MANE Select); coding-DNA position 903, G replaced by A.
Protein change: p.Thr301=; no amino-acid change (threonine 301 retained).
Molecular consequence: synonymous variant. On other transcripts: intron variant (1).
Genome position (GRCh38, 1-based): chr19:43,195,080, C>T on the plus strand (G>A on the coding strand, the complement: PSG4 is on the minus strand). VCF-style: chr19-43195080-C-T. GRCh37 (hg19) VCF-style: chr19-43699232-C-T.
Other names: c.624G>A, p.Thr208= (NM_001276495.2); c.537G>A, p.Thr179= (NM_001316339.2); c.710-486G>A (NM_213633.3).
Identifiers: ClinVar variation 2650056 (VCV002650056.24), dbSNP rs757896540, ClinGen allele CA9484457.